The following is an entry in ClinVar:

ClinVar aggregate classification (germline): Uncertain significance (1 of 4 stars; one submission).

gnomAD v4.1: 5 of 1,614,016 alleles (0.00031%); highest among the groups gnomAD compares: Non-Finnish European, 0.00042%; no homozygotes.

Submission:

Labcorp Genetics (formerly Invitae), Labcorp
Classification: Uncertain significance. Last evaluated: 2024-10-14. Review status: criteria provided, single submitter. Criteria: Invitae Variant Classification Sherloc (09022015). Collection method: clinical testing. Allele origin: germline.
Comment: This sequence change replaces methionine, which is neutral and non-polar, with valine, which is neutral and non-polar, at codon 264 of the GFM2 protein (p.Met264Val). This variant is present in population databases (no rsID available, gnomAD 0.0009%). This variant has not been reported in the literature in individuals affected with GFM2-related conditions. An algorithm developed to predict the effect of missense changes on protein structure and function outputs the following: PolyPhen-2: "Benign". The valine amino acid residue is found in multiple mammalian species, which suggests that this missense change does not adversely affect protein function. In summary, the available evidence is currently insufficient to determine the role of this variant in disease. Therefore, it has been classified as a Variant of Uncertain Significance.

NM_032380.5(GFM2):c.790A>G (p.Met264Val)

Gene: GFM2 (GTP dependent ribosome recycling factor mitochondrial 2; minus strand). Cytogenetic location: 5q13.3.
Variant type: single nucleotide variant.
Coding change: c.790A>G on transcript NM_032380.5 (MANE Select); coding-DNA position 790, A replaced by G.
Protein change: p.Met264Val; replaces methionine 264 with valine.
Molecular consequence: missense variant. On other transcripts: non-coding transcript variant (1).
Genome position (GRCh38, 1-based): chr5:74,745,737, T>C on the plus strand (A>G on the coding strand, the complement: GFM2 is on the minus strand). VCF-style: chr5-74745737-T-C. GRCh37 (hg19) VCF-style: chr5-74041562-T-C.
Other names: c.886A>G, p.Met296Val (NM_001281302.2); c.790A>G, p.Met264Val (NM_170681.3, NM_170691.3); short protein forms M264V, M296V.
Identifiers: ClinVar variation 3621301 (VCV003621301.1).